The following is an entry in ClinVar:

ClinVar aggregate classification (germline): Uncertain significance (1 of 4 stars; one submission).

Conditions:
Alstrom syndrome (ALMS). Identifiers: Orphanet 64, MedGen C0268425, MONDO:0008763, OMIM 203800.

Submission:

Labcorp Genetics (formerly Invitae), Labcorp
Classification: Uncertain significance for Alstrom syndrome. Last evaluated: 2022-08-10. Review status: criteria provided, single submitter. Criteria: Invitae Variant Classification Sherloc (09022015). Collection method: clinical testing. Allele origin: germline.
Comment: In summary, the available evidence is currently insufficient to determine the role of this variant in disease. Therefore, it has been classified as a Variant of Uncertain Significance. Experimental studies and prediction algorithms are not available or were not evaluated, and the functional significance of this variant is currently unknown. This variant has not been reported in the literature in individuals affected with ALMS1-related conditions. This variant is not present in population databases (gnomAD no frequency). This sequence change replaces serine, which is neutral and polar, with proline, which is neutral and non-polar, at codon 1237 of the ALMS1 protein (p.Ser1237Pro).

NM_001378454.1(ALMS1):c.3706T>C (p.Ser1236Pro)

Gene: ALMS1 (ALMS1 centrosome and basal body associated protein; plus strand). Cytogenetic location: 2p13.1.
Variant type: single nucleotide variant.
Coding change: c.3706T>C on transcript NM_001378454.1 (MANE Select); coding-DNA position 3706, T replaced by C.
Protein change: p.Ser1236Pro; replaces serine 1236 with proline.
Molecular consequence: missense variant.
Genome position (GRCh38, 1-based): chr2:73,450,233, T>C. VCF-style: chr2-73450233-T-C. GRCh37 (hg19) VCF-style: chr2-73677360-T-C.
Other names: c.3709T>C, p.Ser1237Pro (NM_015120.4); short protein forms S1236P, S1237P.
Identifiers: ClinVar variation 1946388 (VCV001946388.5), dbSNP rs2466099125, ClinGen allele CA347276289.